The following is an entry in ClinVar:

ClinVar aggregate classification (germline): Uncertain significance (1 of 4 stars; one submission).

Conditions:
Primary ciliary dyskinesia. Also called: Ciliary dyskinesia. Identifiers: Orphanet 244, MedGen C0008780, MONDO:0016575, HP:0012265.

Allele frequency attached by ClinVar (database versions not stated): TOPMed below 0.00001; gnomAD 0.00001; gnomAD exomes below 0.00001.
gnomAD v4.1: 3 of 1,614,014 alleles (0.00019%); highest among the groups gnomAD compares: Non-Finnish European, 0.00025%; no homozygotes.

Submission:

Labcorp Genetics (formerly Invitae), Labcorp
Classification: Uncertain significance for Primary ciliary dyskinesia. Last evaluated: 2022-06-03. Review status: criteria provided, single submitter. Criteria: Invitae Variant Classification Sherloc (09022015). Collection method: clinical testing. Allele origin: germline.
Comment: This sequence change replaces proline, which is neutral and non-polar, with leucine, which is neutral and non-polar, at codon 414 of the RSPH4A protein (p.Pro414Leu). This variant is present in population databases (no rsID available, gnomAD 0.0009%). This variant has not been reported in the literature in individuals affected with RSPH4A-related conditions. ClinVar contains an entry for this variant (Variation ID: 967444). Algorithms developed to predict the effect of missense changes on protein structure and function are either unavailable or do not agree on the potential impact of this missense change (SIFT: "Deleterious"; PolyPhen-2: "Probably Damaging"; Align-GVGD: "Class C0"). In summary, the available evidence is currently insufficient to determine the role of this variant in disease. Therefore, it has been classified as a Variant of Uncertain Significance.

NM_001010892.3(RSPH4A):c.1241C>T (p.Pro414Leu)

Gene: RSPH4A (radial spoke head component 4A; plus strand). Cytogenetic location: 6q22.1.
Variant type: single nucleotide variant.
Coding change: c.1241C>T on transcript NM_001010892.3 (MANE Select); coding-DNA position 1241, C replaced by T.
Protein change: p.Pro414Leu; replaces proline 414 with leucine.
Molecular consequence: missense variant.
Genome position (GRCh38, 1-based): chr6:116,627,948, C>T. VCF-style: chr6-116627948-C-T. GRCh37 (hg19) VCF-style: chr6-116949111-C-T.
Other names: c.1241C>T, p.Pro414Leu (NM_001161664.2); short protein forms P414L.
Identifiers: ClinVar variation 967444 (VCV000967444.7), dbSNP rs1394282681, ClinGen allele CA365404986.